The following is an entry in ClinVar:

NM_004415.4(DSP):c.6068C>G (p.Ala2023Gly)

Gene: DSP (desmoplakin; plus strand). Cytogenetic location: 6p24.3.
Variant type: single nucleotide variant.
Coding change: c.6068C>G on transcript NM_004415.4 (MANE Select); coding-DNA position 6068, C replaced by G.
Protein change: p.Ala2023Gly; replaces alanine 2023 with glycine.
Molecular consequence: missense variant.
Genome position (GRCh38, 1-based): chr6:7,583,330, C>G. VCF-style: chr6-7583330-C-G. GRCh37 (hg19) VCF-style: chr6-7583563-C-G.
Other names: c.4271C>G, p.Ala1424Gly (NM_001008844.3); c.4739C>G, p.Ala1580Gly (NM_001319034.2); short protein forms A1580G, A1424G, A2023G.
Identifiers: ClinVar variation 1751355 (VCV001751355.7), dbSNP rs761605754, ClinGen allele CA046788.

ClinVar aggregate classification (germline): Conflicting classifications of pathogenicity. Review status: criteria provided, conflicting classifications (1 of 4 stars). 3 submissions from 3 submitters: Uncertain significance (1); Likely benign (2). Last evaluated 2025-05-07.

Conditions:
Arrhythmogenic cardiomyopathy with wooly hair and keratoderma. Also called: PALMOPLANTAR KERATODERMA WITH LEFT VENTRICULAR CARDIOMYOPATHY AND WOOLLY HAIR; Carvajal syndrome; Dilated cardiomyopathy with woolly hair and keratoderma; Arrhythmogenic cardiomyopathy with woolly hair and keratoderma. Identifiers: Orphanet 65282, MedGen C1854063, MONDO:0011581, OMIM 605676.
Arrhythmogenic right ventricular dysplasia 8 (ARVD8). Also called: Arrhythmogenic Right Ventricular Dysplasia/Cardiomyopathy 8; ARRHYTHMOGENIC RIGHT VENTRICULAR DYSPLASIA, FAMILIAL, 8; ARRHYTHMOGENIC RIGHT VENTRICULAR CARDIOMYOPATHY 8. Identifiers: MedGen C1843896, MONDO:0011831, OMIM 607450.
Cardiovascular phenotype. Identifiers: MedGen CN230736.

Allele frequency attached by ClinVar (database versions not stated): TOPMed below 0.00001; ExAC 0.00001; gnomAD exomes 0.00001.
gnomAD v4.1: 3 of 1,614,202 alleles (0.00019%); highest among the groups gnomAD compares: Admixed American, 0.005%; no homozygotes.

Submissions (3):

Labcorp Genetics (formerly Invitae), Labcorp
Classification: Likely benign for Arrhythmogenic cardiomyopathy with wooly hair and keratoderma; Arrhythmogenic right ventricular dysplasia 8. Last evaluated: 2025-05-07. Review status: criteria provided, single submitter. Criteria: Invitae Variant Classification Sherloc (09022015). Collection method: clinical testing. Allele origin: germline.

Ambry Genetics
Classification: Likely benign for Cardiovascular phenotype. Last evaluated: 2024-12-13. Review status: criteria provided, single submitter. Criteria: Ambry Variant Classification Scheme 2023. Collection method: clinical testing. Allele origin: germline.

GeneDx
Classification: Uncertain significance. Last evaluated: 2023-03-11. Review status: criteria provided, single submitter. Criteria: GeneDx Variant Classification Process June 2021. Collection method: clinical testing. Allele origin: germline. Affected: yes.
Comment: Not observed at significant frequency in large population cohorts (gnomAD); In silico analysis supports that this missense variant does not alter protein structure/function; Has not been previously published as pathogenic or benign to our knowledge